The following is an entry in ClinVar:

NM_006440.5(TXNRD2):c.55A>G (p.Thr19Ala)

Genes: TXNRD2 (thioredoxin reductase 2; minus strand), LOC130066960 (ATAC-STARR-seq lymphoblastoid silent region 13467; plus strand). Cytogenetic location: 22q11.21.
Variant type: single nucleotide variant.
Coding change: c.55A>G on transcript NM_006440.5 (MANE Select); coding-DNA position 55, A replaced by G.
Protein change: p.Thr19Ala; replaces threonine 19 with alanine.
Molecular consequence: missense variant. On other transcripts: non-coding transcript variant (1).
Genome position (GRCh38, 1-based): chr22:19,941,749, T>C on the plus strand (A>G on the coding strand, the complement: TXNRD2 is on the minus strand). VCF-style: chr22-19941749-T-C. GRCh37 (hg19) VCF-style: chr22-19929272-T-C.
Other names: c.55A>G, p.Thr19Ala (NM_001282512.3, NM_001352300.2); c.-240T>C (NM_000754.3); short protein forms T19A.
Identifiers: ClinVar variation 1748543 (VCV001748543.5), dbSNP rs901020754, ClinGen allele CA322111641.

ClinVar aggregate classification (germline): Uncertain significance. Review status: criteria provided, multiple submitters, no conflicts (2 of 4 stars). 2 submissions from 2 submitters: Uncertain significance (2). Last evaluated 2025-09-07.

Conditions:
Cardiovascular phenotype. Identifiers: MedGen CN230736.
Primary dilated cardiomyopathy (DCM). Also called: Dilated Cardiomyopathy. Identifiers: Orphanet 217604, MedGen C0007193, MeSH D002311, MONDO:0005021, HP:0001644. Inheritance: Various modes of inheritance.

Allele frequency attached by ClinVar (database versions not stated): gnomAD 0.00003; TOPMed 0.00004.
gnomAD v4.1: 12 of 1,501,114 alleles (0.0008%); highest among the groups gnomAD compares: African/African-American, 0.0073%; no homozygotes.

Submissions (2):

Ambry Genetics
Classification: Uncertain significance for Cardiovascular phenotype. Last evaluated: 2025-09-07. Review status: criteria provided, single submitter. Criteria: Ambry Variant Classification Scheme 2023. Collection method: clinical testing. Allele origin: germline.
Comment: The p.T19A variant (also known as c.55A>G), located in coding exon 1 of the TXNRD2 gene, results from an A to G substitution at nucleotide position 55. The threonine at codon 19 is replaced by alanine, an amino acid with similar properties. This amino acid position is poorly conserved in available vertebrate species. In addition, this alteration is predicted to be tolerated by in silico analysis. Since supporting evidence is limited at this time, the clinical significance of this alteration remains unclear.

Labcorp Genetics (formerly Invitae), Labcorp
Classification: Uncertain significance for Primary dilated cardiomyopathy. Last evaluated: 2024-02-09. Review status: criteria provided, single submitter. Criteria: Invitae Variant Classification Sherloc (09022015). Collection method: clinical testing. Allele origin: germline.
Comment: This sequence change replaces threonine, which is neutral and polar, with alanine, which is neutral and non-polar, at codon 19 of the TXNRD2 protein (p.Thr19Ala). The frequency data for this variant in the population databases is considered unreliable, as metrics indicate poor data quality at this position in the gnomAD database. This variant has not been reported in the literature in individuals affected with TXNRD2-related conditions. ClinVar contains an entry for this variant (Variation ID: 1748543). An algorithm developed to predict the effect of missense changes on protein structure and function (PolyPhen-2) suggests that this variant is likely to be tolerated. In summary, the available evidence is currently insufficient to determine the role of this variant in disease. Therefore, it has been classified as a Variant of Uncertain Significance.